The following is an entry in ClinVar:

NM_172107.4(KCNQ2):c.438G>A (p.Trp146Ter)

Gene: KCNQ2 (potassium voltage-gated channel subfamily Q member 2; minus strand). Cytogenetic location: 20q13.33.
Variant type: single nucleotide variant.
Coding change: c.438G>A on transcript NM_172107.4 (MANE Select); coding-DNA position 438, G replaced by A.
Protein change: p.Trp146Ter; replaces tryptophan 146 with a stop codon.
Molecular consequence: nonsense.
Genome position (GRCh38, 1-based): chr20:63,445,314, C>T on the plus strand (G>A on the coding strand, the complement: KCNQ2 is on the minus strand). VCF-style: chr20-63445314-C-T. GRCh37 (hg19) VCF-style: chr20-62076667-C-T.
Other names: c.438G>A, p.Trp146Ter (NM_001382235.1, NM_004518.6, NM_172106.3 and 2 more transcripts); short protein forms W146*.
Identifiers: ClinVar variation 3724751 (VCV003724751.2).
Genomic context (GRCh38, chr20:63,445,314, plus strand): 5'-TTTCCGGGCAAACTTGAGCCGCCCCCTCCAGCCACGGTACCGGCAGCAGCAGCCTGCGGC[C>T]CAGATCCGCACGAAGTACTCCACGCCAAACACCACGATAGTCACGATTTCCTGCAGGGGA-3'

ClinVar aggregate classification (germline): Pathogenic (1 of 4 stars; one submission).

Conditions:
Early-infantile DEE. Also called: Early infantile epileptic encephalopathy; Ohtahara syndrome; Early infantile epileptic encephalopathy with suppression bursts. Identifiers: Orphanet 1934, MedGen C0393706, MONDO:0800491.

Submission:

Labcorp Genetics (formerly Invitae), Labcorp
Classification: Pathogenic for Early-infantile DEE. Last evaluated: 2025-06-14. Review status: criteria provided, single submitter. Criteria: Invitae Variant Classification Sherloc (09022015). Collection method: clinical testing. Allele origin: germline.
Comment: This sequence change creates a premature translational stop signal (p.Trp146*) in the KCNQ2 gene. It is expected to result in an absent or disrupted protein product. Loss-of-function variants in KCNQ2 are known to be pathogenic (PMID: 14534157, 23692823, 27779742). This variant is not present in population databases (gnomAD no frequency). This variant has not been reported in the literature in individuals affected with KCNQ2-related conditions. ClinVar contains an entry for this variant (Variation ID: 3724751). For these reasons, this variant has been classified as Pathogenic.

Literature cited by the submitters: PubMed 14534157; PubMed 23692823; PubMed 27779742.